The following is an entry in ClinVar:

ClinVar aggregate classification (germline): Uncertain significance. Review status: criteria provided, multiple submitters, no conflicts (2 of 4 stars). 2 submissions from 2 submitters: Uncertain significance (2). Last evaluated 2026-02-01.

Submissions (2):

CeGaT Center for Human Genetics Tuebingen
Classification: Uncertain significance. Last evaluated: 2026-02-01. Review status: criteria provided, single submitter. Criteria: CeGaT Center For Human Genetics Tuebingen Variant Classification Criteria Version 2. Collection method: clinical testing. Allele origin: germline. Affected: yes. Observed: 1 variant allele.
Comment: SYNE1: PM2

Revvity Omics, Revvity
Classification: Uncertain significance. Last evaluated: 2021-01-06. Review status: criteria provided, single submitter. Criteria: ACMG Guidelines, 2015. Collection method: clinical testing. Allele origin: germline.

NM_182961.4(SYNE1):c.17129A>G (p.His5710Arg)

Genes: SYNE1 (spectrin repeat containing nuclear envelope protein 1; minus strand), LOC126859837 (BRD4-independent group 4 enhancer GRCh37_chr6:152630775-152631974; plus strand). Cytogenetic location: 6q25.2.
Variant type: single nucleotide variant.
Coding change: c.17129A>G on transcript NM_182961.4 (MANE Select); coding-DNA position 17129, A replaced by G.
Protein change: p.His5710Arg; replaces histidine 5710 with arginine.
Molecular consequence: missense variant.
Genome position (GRCh38, 1-based): chr6:152,309,908, T>C on the plus strand (A>G on the coding strand, the complement: SYNE1 is on the minus strand). VCF-style: chr6-152309908-T-C. GRCh37 (hg19) VCF-style: chr6-152631043-T-C.
Other names: c.16916A>G, p.His5639Arg (NM_033071.5); short protein forms H5639R, H5710R.
Identifiers: ClinVar variation 2436656 (VCV002436656.7), dbSNP rs2482643245, ClinGen allele CA366106951.